The following is an entry in ClinVar:

ClinVar aggregate classification (germline): Uncertain significance (1 of 4 stars; one submission).

Conditions:
Pure or complex autosomal recessive spastic paraplegia. Identifiers: Orphanet 320346, MedGen C5679887, MONDO:0017915.

gnomAD v4.1: 10 of 1,613,996 alleles (0.00062%); highest among the groups gnomAD compares: Middle Eastern, 0.016%; no homozygotes.

Submission:

Labcorp Genetics (formerly Invitae), Labcorp
Classification: Uncertain significance for Pure or complex autosomal recessive spastic paraplegia. Last evaluated: 2024-08-31. Review status: criteria provided, single submitter. Criteria: Invitae Variant Classification Sherloc (09022015). Collection method: clinical testing. Allele origin: germline.
Comment: This sequence change replaces proline, which is neutral and non-polar, with leucine, which is neutral and non-polar, at codon 442 of the ZFR protein (p.Pro442Leu). This variant is present in population databases (rs781740935, gnomAD 0.003%). This variant has not been reported in the literature in individuals affected with ZFR-related conditions. Experimental studies and prediction algorithms are not available or were not evaluated, and the functional significance of this variant is currently unknown. In summary, the available evidence is currently insufficient to determine the role of this variant in disease. Therefore, it has been classified as a Variant of Uncertain Significance.

NM_016107.5(ZFR):c.1325C>T (p.Pro442Leu)

Gene: ZFR (zinc finger RNA binding protein; minus strand). Cytogenetic location: 5p13.3.
Variant type: single nucleotide variant.
Coding change: c.1325C>T on transcript NM_016107.5 (MANE Select); coding-DNA position 1325, C replaced by T.
Protein change: p.Pro442Leu; replaces proline 442 with leucine.
Molecular consequence: missense variant. On other transcripts: non-coding transcript variant (1).
Genome position (GRCh38, 1-based): chr5:32,403,297, G>A on the plus strand (C>T on the coding strand, the complement: ZFR is on the minus strand). VCF-style: chr5-32403297-G-A. GRCh37 (hg19) VCF-style: chr5-32403402-G-A.
Other names: short protein forms P442L.
Identifiers: ClinVar variation 3707527 (VCV003707527.2).